The following is an entry in ClinVar:

ClinVar aggregate classification (germline): Benign. Review status: criteria provided, multiple submitters, no conflicts (2 of 4 stars). 3 submissions from 2 submitters: Benign (3). Last evaluated 2018-01-12.

Conditions:
Ocular cystinosis. Also called: Non-Nephropathic (Ocular) Cystinosis; Non-Nephropathic Cystinosis. Identifiers: Orphanet 213, Orphanet 411641, MedGen C2931013, MONDO:0009064, OMIM 219750.
Nephropathic cystinosis (CTNS). Also called: CYSTINOSIN, DEFECT OF; LYSOSOMAL CYSTINE TRANSPORT PROTEIN, DEFECT OF; Abderhalden Lignac Kaufmann disease; Abderhalden-Kaufmann-Lignac syndrome. Identifiers: Orphanet 213, Orphanet 411629, MedGen C2931187, MONDO:0100151, OMIM 219800.

Allele frequency attached by ClinVar (database versions not stated): TOPMed 0.18892; gnomAD 0.19427 and 0.19667; 1000 Genomes Project 0.19669; 1000 Genomes Project 30x 0.19800.
gnomAD v4.1: 74,019 of 364,382 alleles (20%); highest among the groups gnomAD compares: East Asian, 23%; 8,076 homozygotes.

Submissions (3):

Illumina Laboratory Services, Illumina
Classification: Benign for Ocular cystinosis. Last evaluated: 2018-01-12. Review status: criteria provided, single submitter. Criteria: ICSL Variant Classification Criteria 13 December 2019. Collection method: clinical testing. Allele origin: germline.
Comment: This variant was observed in the ICSL laboratory as part of a predisposition screen in an ostensibly healthy population. It had not been previously curated by ICSL or reported in the Human Gene Mutation Database (HGMD: prior to June 1st, 2018), and was therefore a candidate for classification through an automated scoring system. Utilizing variant allele frequency, disease prevalence and penetrance estimates, and inheritance mode, an automated score was calculated to assess if this variant is too frequent to cause the disease. Based on the score and internal cut-off values, a variant classified as benign is not then subjected to further curation. The score for this variant resulted in a classification of benign for this disease.

Illumina Laboratory Services, Illumina
Classification: Benign for Nephropathic cystinosis. Last evaluated: 2018-01-12. Review status: criteria provided, single submitter. Criteria: ICSL Variant Classification Criteria 13 December 2019. Collection method: clinical testing. Allele origin: germline.
Comment: the same text as in the submission from Illumina Laboratory Services, Illumina above.

Breakthrough Genomics
Classification: Benign. Review status: criteria provided, single submitter. Criteria: ACMG Guidelines, 2015. Collection method: not provided. Allele origin: germline. Inheritance: Autosomal recessive inheritance. Affected: yes.

NM_004937.3(CTNS):c.*715C>T

Gene: CTNS (cystinosin, lysosomal cystine transporter; plus strand). Cytogenetic location: 17p13.2.
Variant type: single nucleotide variant.
Coding change: c.*715C>T on transcript NM_004937.3 (MANE Select); 715 bases downstream of the stop codon, C replaced by T.
Molecular consequence: 3 prime UTR variant.
Genome position (GRCh38, 1-based): chr17:3,661,084, C>T. VCF-style: chr17-3661084-C-T. GRCh37 (hg19) VCF-style: chr17-3564378-C-T.
Other names: c.*350C>T (NM_001031681.3, NM_001374492.1); c.*715C>T (NM_001374493.1, NM_001374494.1, NM_001374495.1 and 1 more transcripts).
Identifiers: ClinVar variation 322863 (VCV000322863.6), dbSNP rs1048649, ClinGen allele CA10649121.